The following is an entry in ClinVar:

ClinVar aggregate classification (germline): Uncertain significance (1 of 4 stars; one submission).

Submission:

Labcorp Genetics (formerly Invitae), Labcorp
Classification: Uncertain significance. Last evaluated: 2022-07-29. Review status: criteria provided, single submitter. Criteria: Invitae Variant Classification Sherloc (09022015). Collection method: clinical testing. Allele origin: germline.
Comment: In summary, the available evidence is currently insufficient to determine the role of this variant in disease. Therefore, it has been classified as a Variant of Uncertain Significance. Algorithms developed to predict the effect of missense changes on protein structure and function (SIFT, PolyPhen-2, Align-GVGD) all suggest that this variant is likely to be disruptive. This variant has not been reported in the literature in individuals affected with MYH9-related conditions. This variant is not present in population databases (gnomAD no frequency). This sequence change replaces glutamic acid, which is acidic and polar, with lysine, which is basic and polar, at codon 182 of the MYH9 protein (p.Glu182Lys).

NM_002473.6(MYH9):c.544G>A (p.Glu182Lys)

Gene: MYH9 (myosin heavy chain 9; minus strand). Cytogenetic location: 22q12.3.
Variant type: single nucleotide variant.
Coding change: c.544G>A on transcript NM_002473.6 (MANE Select); coding-DNA position 544, G replaced by A.
Protein change: p.Glu182Lys; replaces glutamic acid 182 with lysine.
Molecular consequence: missense variant.
Genome position (GRCh38, 1-based): chr22:36,326,636, C>T on the plus strand (G>A on the coding strand, the complement: MYH9 is on the minus strand). VCF-style: chr22-36326636-C-T. GRCh37 (hg19) VCF-style: chr22-36722681-C-T.
Other names: short protein forms E182K.
Identifiers: ClinVar variation 1714109 (VCV001714109.5), dbSNP rs2517999638, ClinGen allele CA411408095.